The following is an entry in ClinVar:

ClinVar aggregate classification (germline): Likely pathogenic (1 of 4 stars; one submission).

Conditions:
Autosomal recessive polycystic kidney disease (ARPKD). Also called: AR polycystic kidney disease. Identifiers: Orphanet 731, Orphanet 8378, MedGen C0085548, MeSH D017044, MONDO:0009889.

Submission:

Natera, Inc.
Classification: Likely pathogenic for Autosomal recessive polycystic kidney disease. Last evaluated: 2025-03-17. Review status: criteria provided, single submitter. Criteria: Natera Variant Classification Schema (03/2026). Collection method: clinical testing. Allele origin: germline.
Comment: The c.1911del variant in PKHD1 is a frameshift variant predicted to shift the reading frame beginning at codon 637 and leads to a stop codon 3 codons downstream. This variant is expected to result in nonsense mediated decay, truncation, or a dysfunctional protein product. This variant is rare in the general population with a frequency below the threshold expected for the associated phenotype(s). Given the available evidence, this variant is classified as Likely Pathogenic.

NM_138694.4(PKHD1):c.1911del (p.Asn637fs)

Gene: PKHD1 (PKHD1 ciliary IPT domain containing fibrocystin/polyductin; minus strand). Cytogenetic location: 6p12.2.
Variant type: Deletion.
Coding change: c.1911del on transcript NM_138694.4 (MANE Select); coding-DNA position 1911, one base deleted (C; older notation c.1911delC).
Protein change: p.Asn637fs; shifts the reading frame from asparagine 637.
Molecular consequence: frameshift variant.
Genome position (GRCh38, 1-based): chr6:52,054,091, G deleted on the plus strand (C on the coding strand, the reverse complement: PKHD1 is on the minus strand). VCF-style (leftmost placement, unchanged base first): chr6-52054090-TG-T. GRCh37 (hg19) VCF-style: chr6-51918888-TG-T.
Other names: c.1911del, p.Asn637fs (NM_170724.3); short protein forms N637fs.
Identifiers: ClinVar variation 4060107 (VCV004060107.2).